The following is an entry in ClinVar:

ClinVar aggregate classification (germline): Conflicting classifications of pathogenicity. Review status: criteria provided, conflicting classifications (1 of 4 stars). 4 submissions from 4 submitters: Uncertain significance (3); Likely benign (1). Last evaluated 2025-10-05.

Conditions:
Hereditary cancer-predisposing syndrome. Also called: Neoplastic Syndromes, Hereditary; Hereditary Cancer Syndrome; Tumor predisposition; Hereditary neoplastic syndrome. Identifiers: Orphanet 140162, MedGen C0027672, MeSH D009386, MONDO:0015356.
Hereditary breast ovarian cancer syndrome. Also called: Breast and ovarian cancer; Hereditary breast and ovarian cancer; Hereditary breast and ovarian cancer syndrome; Hereditary breast and ovarian cancer syndrome (HBOC); BRCA1- and BRCA2-Associated Hereditary Breast and Ovarian Cancer; Hereditary breast and/or ovarian cancer syndrome. Identifiers: Orphanet 145, MedGen C0677776, MeSH D061325, MONDO:0003582. Disease mechanism: loss of function.

Submissions (4):

Women's Health and Genetics/Laboratory Corporation of America, LabCorp
Classification: Uncertain significance. Last evaluated: 2025-10-05. Review status: criteria provided, single submitter. Criteria: LabCorp Variant Classification Summary - May 2015. Collection method: clinical testing. Allele origin: germline.

Labcorp Genetics (formerly Invitae), Labcorp
Classification: Uncertain significance for Hereditary breast ovarian cancer syndrome. Last evaluated: 2023-10-23. Review status: criteria provided, single submitter. Criteria: Invitae Variant Classification Sherloc (09022015). Collection method: clinical testing. Allele origin: germline.
Comment: This sequence change replaces phenylalanine, which is neutral and non-polar, with leucine, which is neutral and non-polar, at codon 1844 of the BRCA2 protein (p.Phe1844Leu). This variant is not present in population databases (gnomAD no frequency). This variant has not been reported in the literature in individuals affected with BRCA2-related conditions. ClinVar contains an entry for this variant (Variation ID: 1472200). Advanced modeling of protein sequence and biophysical properties (such as structural, functional, and spatial information, amino acid conservation, physicochemical variation, residue mobility, and thermodynamic stability) performed at Invitae indicates that this missense variant is not expected to disrupt BRCA2 protein function. In summary, the available evidence is currently insufficient to determine the role of this variant in disease. Therefore, it has been classified as a Variant of Uncertain Significance.

University of Washington Department of Laboratory Medicine, University of Washington
Classification: Likely benign for Hereditary cancer-predisposing syndrome. Last evaluated: 2023-03-23. Review status: criteria provided, single submitter. Criteria: Dines et al. (Genet Med. 2020). Collection method: curation. Allele origin: germline.
Comment: Missense variant in a coldspot region where missense variants are very unlikely to be pathogenic (PMID:31911673).

BRCA2 exon 11 coldspot. Reclassification based on statistical prior probability.

Ambry Genetics
Classification: Uncertain significance for Hereditary cancer-predisposing syndrome. Last evaluated: 2021-03-31. Review status: criteria provided, single submitter. Criteria: Ambry Variant Classification Scheme 2023. Collection method: clinical testing. Allele origin: germline.
Comment: The p.F1844L variant (also known as c.5530T>C), located in coding exon 10 of the BRCA2 gene, results from a T to C substitution at nucleotide position 5530. The phenylalanine at codon 1844 is replaced by leucine, an amino acid with highly similar properties. This amino acid position is well conserved in available vertebrate species. In addition, this alteration is predicted to be deleterious by in silico analysis. Since supporting evidence is limited at this time, the clinical significance of this alteration remains unclear.

NM_000059.4(BRCA2):c.5530T>C (p.Phe1844Leu)

Gene: BRCA2 (BRCA2 DNA repair associated; plus strand). Cytogenetic location: 13q13.1.
Variant type: single nucleotide variant.
Coding change: c.5530T>C on transcript NM_000059.4 (MANE Select); coding-DNA position 5530, T replaced by C.
Protein change: p.Phe1844Leu; replaces phenylalanine 1844 with leucine.
Molecular consequence: missense variant.
Genome position (GRCh38, 1-based): chr13:32,339,885, T>C. VCF-style: chr13-32339885-T-C. GRCh37 (hg19) VCF-style: chr13-32914022-T-C.
Other names: short protein forms F1844L.
Identifiers: ClinVar variation 1472200 (VCV001472200.12), dbSNP rs2072531391, ClinGen allele CA387785913.